The following is an entry in ClinVar:

NM_017999.5(RNF31):c.1556T>C (p.Val519Ala)

Gene: RNF31 (ring finger protein 31; plus strand). Cytogenetic location: 14q12.
Variant type: single nucleotide variant.
Coding change: c.1556T>C on transcript NM_017999.5 (MANE Select); coding-DNA position 1556, T replaced by C.
Protein change: p.Val519Ala; replaces valine 519 with alanine.
Molecular consequence: missense variant.
Genome position (GRCh38, 1-based): chr14:24,151,198, T>C. VCF-style: chr14-24151198-T-C. GRCh37 (hg19) VCF-style: chr14-24620407-T-C.
Other names: c.1103T>C, p.Val368Ala (NM_001310332.2); short protein forms V368A, V519A.
Identifiers: ClinVar variation 3612178 (VCV003612178.2).

ClinVar aggregate classification (germline): Uncertain significance (1 of 4 stars; one submission).

gnomAD v4.1: 4 of 1,614,008 alleles (0.00025%); highest among the groups gnomAD compares: African/African-American, 0.0013%; no homozygotes.

Submission:

Labcorp Genetics (formerly Invitae), Labcorp
Classification: Uncertain significance. Last evaluated: 2024-10-22. Review status: criteria provided, single submitter. Criteria: Invitae Variant Classification Sherloc (09022015). Collection method: clinical testing. Allele origin: germline.
Comment: This sequence change replaces valine, which is neutral and non-polar, with alanine, which is neutral and non-polar, at codon 519 of the RNF31 protein (p.Val519Ala). This variant is not present in population databases (gnomAD no frequency). This variant has not been reported in the literature in individuals affected with RNF31-related conditions. An algorithm developed to predict the effect of missense changes on protein structure and function (PolyPhen-2) suggests that this variant is likely to be tolerated. In summary, the available evidence is currently insufficient to determine the role of this variant in disease. Therefore, it has been classified as a Variant of Uncertain Significance.